The following is an entry in ClinVar:

NM_004924.6(ACTN4):c.2469C>T (p.Ser823=)

Gene: ACTN4 (actinin alpha 4; plus strand). Cytogenetic location: 19q13.2.
Variant type: single nucleotide variant.
Coding change: c.2469C>T on transcript NM_004924.6 (MANE Select); coding-DNA position 2469, C replaced by T.
Protein change: p.Ser823=; no amino-acid change (serine 823 retained).
Molecular consequence: synonymous variant.
Genome position (GRCh38, 1-based): chr19:38,729,046, C>T. VCF-style: chr19-38729046-C-T. GRCh37 (hg19) VCF-style: chr19-39219686-C-T.
Other names: c.2454C>T, p.Ser818= (NM_001322033.2).
Identifiers: ClinVar variation 585362 (VCV000585362.36), dbSNP rs143282009, ClinGen allele CA9418054.

ClinVar aggregate classification (germline): Likely benign. Review status: criteria provided, multiple submitters, no conflicts (2 of 4 stars). 4 submissions from 4 submitters: Likely benign (4). Last evaluated 2026-01-12.

Conditions:
Focal segmental glomerulosclerosis 1 (FSGS1). Identifiers: Orphanet 656, MedGen C4551527, MONDO:0011303, OMIM 603278.

Allele frequency attached by ClinVar (database versions not stated): gnomAD 0.00021 and 0.00024; ExAC 0.00025; gnomAD exomes 0.00029 and 0.00032; ESP Exome Variant Server 0.00038; TOPMed 0.00038.
gnomAD v4.1: 477 of 1,613,576 alleles (0.03%); highest among the groups gnomAD compares: Middle Eastern, 0.18%; no homozygotes.

Submissions (4):

Labcorp Genetics (formerly Invitae), Labcorp
Classification: Likely benign. Last evaluated: 2026-01-12. Review status: criteria provided, single submitter. Criteria: Invitae Variant Classification Sherloc (09022015). Collection method: clinical testing. Allele origin: germline.

CeGaT Center for Human Genetics Tuebingen
Classification: Likely benign. Last evaluated: 2023-08-01. Review status: criteria provided, single submitter. Criteria: CeGaT Center For Human Genetics Tuebingen Variant Classification Criteria Version 2. Collection method: clinical testing. Allele origin: germline. Affected: yes. Observed: 1 variant allele.
Comment: ACTN4: BP4, BP7

Fulgent Genetics
Classification: Likely benign for Focal segmental glomerulosclerosis 1. Last evaluated: 2022-02-03. Review status: criteria provided, single submitter. Criteria: ACMG Guidelines, 2015. Collection method: clinical testing. Allele origin: unknown.

Athena Diagnostics
Classification: Likely benign. Last evaluated: 2018-06-05. Review status: criteria provided, single submitter. Criteria: Athena Diagnostics Criteria. Collection method: clinical testing. Allele origin: germline.